The following is an entry in ClinVar:

ClinVar aggregate classification (germline): Likely benign. Review status: criteria provided, multiple submitters, no conflicts (2 of 4 stars). 2 submissions from 2 submitters: Likely benign (2). Last evaluated 2025-09-22.

Conditions:
Saldino-Mainzer syndrome (SRTD9). Also called: SHORT-RIB THORACIC DYSPLASIA 9 WITHOUT POLYDACTYLY; Renal dysplasia, retinal pigmentary dystrophy, cerebellar ataxia and skeletal dysplasia; CONORENAL SYNDROME; short-rib thoracic dysplasia 9 with or without polydactyly. Identifiers: Orphanet 140969, MedGen C1849437, MONDO:0009964, OMIM 266920.

Submissions (2):

Labcorp Genetics (formerly Invitae), Labcorp
Classification: Likely benign for Saldino-Mainzer syndrome. Last evaluated: 2025-09-22. Review status: criteria provided, single submitter. Criteria: Invitae Variant Classification Sherloc (09022015). Collection method: clinical testing. Allele origin: germline.

GeneDx
Classification: Likely benign. Last evaluated: 2017-10-17. Review status: criteria provided, single submitter. Criteria: GeneDx Variant Classification (06012015). Collection method: clinical testing. Allele origin: germline. Affected: yes.
Comment: This variant is considered likely benign or benign based on one or more of the following criteria: it is a conservative change, it occurs at a poorly conserved position in the protein, it is predicted to be benign by multiple in silico algorithms, and/or has population frequency not consistent with disease.

NM_014714.4(IFT140):c.1771-5_1771-3del

Gene: IFT140 (intraflagellar transport 140; minus strand). Cytogenetic location: 16p13.3.
Variant type: Deletion.
Coding change: c.1771-5_1771-3del on transcript NM_014714.4 (MANE Select); 5 bases into the intron before coding-DNA position 1771 through 3 bases into the intron before coding-DNA position 1771, 3 bases deleted (CCT; older notation c.1771-5_1771-3delCCT).
Molecular consequence: intron variant.
Genome position (GRCh38, 1-based): chr16:1,566,294-1,566,296, AGG deleted on the plus strand (CCT on the coding strand, the reverse complement: IFT140 is on the minus strand); deleting any 3 consecutive bases within chr16:1,566,294-1,566,298 gives the same sequence; the c. name uses the placement nearest the transcript's 3' end. VCF-style (leftmost placement, unchanged base first): chr16-1566293-TAGG-T. GRCh37 (hg19) VCF-style: chr16-1616294-TAGG-T.
Other names: c.1771-5_1771-3delCCT (NM_014714.3).
Identifiers: ClinVar variation 512925 (VCV000512925.9), dbSNP rs767298881, ClinGen allele CA7814140.